The following is an entry in ClinVar:

NM_006031.6(PCNT):c.7018G>T (p.Glu2340Ter)

Gene: PCNT (pericentrin; plus strand). Cytogenetic location: 21q22.3.
Variant type: single nucleotide variant.
Coding change: c.7018G>T on transcript NM_006031.6 (MANE Select); coding-DNA position 7018, G replaced by T.
Protein change: p.Glu2340Ter; replaces glutamic acid 2340 with a stop codon.
Molecular consequence: nonsense.
Genome position (GRCh38, 1-based): chr21:46,418,300, G>T. VCF-style: chr21-46418300-G-T. GRCh37 (hg19) VCF-style: chr21-47838214-G-T.
Other names: c.6664G>T, p.Glu2222Ter (NM_001315529.2); short protein forms E2222*, E2340*.
Identifiers: ClinVar variation 5018628 (VCV005018628.2).

ClinVar aggregate classification (germline): Likely pathogenic (1 of 4 stars; one submission).

Conditions:
Microcephalic osteodysplastic primordial dwarfism type II (MOPD2). Also called: MOPD II; OSTEODYSPLASTIC PRIMORDIAL DWARFISM, TYPE II; Microcephalic osteodysplastic primordial dwarfism with tooth abnormalities. Identifiers: Orphanet 2637, MedGen C0432246, MONDO:0008872, OMIM 210720.

Submission:

Juno Genomics, Hangzhou Juno Genomics, Inc
Classification: Likely pathogenic for Microcephalic osteodysplastic primordial dwarfism type II. Review status: criteria provided, single submitter. Criteria: ACMG Guidelines, 2015. Collection method: clinical testing. Allele origin: germline.
Comment: Absent from controls (or at extremely low frequency if recessive) in Genome Aggregation Database.;Null variant in a gene where loss of function (LOF) is a known mechanism of disease.